The following is an entry in ClinVar:

ClinVar aggregate classification (germline): Conflicting classifications of pathogenicity. Review status: criteria provided, conflicting classifications (1 of 4 stars). 7 submissions from 6 submitters: Uncertain significance (5); Likely benign (2). Last evaluated 2026-07-06.

Conditions:
TTC21B-related disorder. Also called: TTC21B-related condition; TTC21B-related disorders.
Nephronophthisis. Also called: Juvenile Nephronophthisis. Identifiers: Orphanet 655, MedGen C0687120, MONDO:0019005, HP:0000090.
Jeune thoracic dystrophy. Also called: Jeune syndrome; Infantile thoracic dystrophy; Thoracic pelvic phalangeal dystrophy; Jeune's syndrome; Chondroectodermal dysplasia-like syndrome; Short-rib thoracic dysplasia. Identifiers: Orphanet 474, MedGen C0265275, MONDO:0018770.
Asphyxiating thoracic dystrophy 4 (SRTD4). Also called: SHORT-RIB THORACIC DYSPLASIA 4 WITH OR WITHOUT POLYDACTYLY; SHORT-RIB THORACIC DYSPLASIA 4. Identifiers: Orphanet 474, MedGen C3151185, MONDO:0013441, OMIM 613819.
Nephronophthisis 12 (NPHP12). Identifiers: Orphanet 655, MedGen C3151186, MONDO:0013442, OMIM 613820.

Allele frequency attached by ClinVar (database versions not stated): TOPMed 0.00034; ESP Exome Variant Server 0.00038; 1000 Genomes Project 30x 0.00016; 1000 Genomes Project 0.00020; ExAC 0.00032; gnomAD 0.00032 and 0.00034; gnomAD exomes 0.00032.
gnomAD v4.1: 566 of 1,613,598 alleles (0.035%); highest among the groups gnomAD compares: Non-Finnish European, 0.041%; no homozygotes.

Submissions (7):

PreventionGenetics, part of Exact Sciences
Classification: Uncertain significance for TTC21B-related condition. Last evaluated: 2026-07-06. Review status: criteria provided, single submitter. Criteria: ACMG Guidelines, 2015. Collection method: clinical testing. Allele origin: germline.
Comment: The TTC21B c.3223G>C variant is predicted to result in the amino acid substitution p.Val1075Leu. To our knowledge, this variant has not been reported in the literature. This variant is reported in 0.087% of alleles in individuals of Ashkenazi Jewish descent in gnomAD, which may be too frequent to be an unreported primary cause of disease. Although we suspect that this variant may be benign, at this time, the clinical significance of this variant is uncertain due to the absence of conclusive functional and genetic evidence.

Labcorp Genetics (formerly Invitae), Labcorp
Classification: Likely benign for Jeune thoracic dystrophy; Nephronophthisis. Last evaluated: 2026-01-20. Review status: criteria provided, single submitter. Criteria: Invitae Variant Classification Sherloc (09022015). Collection method: clinical testing. Allele origin: germline.

Blueprint Genetics
Classification: Likely benign. Last evaluated: 2024-11-13. Review status: criteria provided, single submitter. Criteria: ACMG Guidelines, 2015. Collection method: clinical testing. Allele origin: germline.

Fulgent Genetics
Classification: Uncertain significance for Asphyxiating thoracic dystrophy 4; Nephronophthisis 12. Last evaluated: 2022-03-03. Review status: criteria provided, single submitter. Criteria: ACMG Guidelines, 2015. Collection method: clinical testing. Allele origin: unknown.

GeneDx
Classification: Uncertain significance. Last evaluated: 2021-11-29. Review status: criteria provided, single submitter. Criteria: GeneDx Variant Classification Process June 2021. Collection method: clinical testing. Allele origin: germline. Affected: yes.
Comment: In silico analysis supports that this missense variant does not alter protein structure/function; Has not been previously published as pathogenic or benign to our knowledge

Illumina Laboratory Services, Illumina
Classification: Uncertain significance for Nephronophthisis 12. Last evaluated: 2018-01-12. Review status: criteria provided, single submitter. Criteria: ICSL Variant Classification Criteria 13 December 2019. Collection method: clinical testing. Allele origin: germline.

Illumina Laboratory Services, Illumina
Classification: Uncertain significance for Asphyxiating thoracic dystrophy 4. Last evaluated: 2018-01-12. Review status: criteria provided, single submitter. Criteria: ICSL Variant Classification Criteria 13 December 2019. Collection method: clinical testing. Allele origin: germline.

NM_024753.5(TTC21B):c.3223G>C (p.Val1075Leu)

Gene: TTC21B (tetratricopeptide repeat domain 21B; minus strand). Cytogenetic location: 2q24.3.
Variant type: single nucleotide variant.
Coding change: c.3223G>C on transcript NM_024753.5 (MANE Select); coding-DNA position 3223, G replaced by C.
Protein change: p.Val1075Leu; replaces valine 1075 with leucine.
Molecular consequence: missense variant.
Genome position (GRCh38, 1-based): chr2:165,890,519, C>G on the plus strand (G>C on the coding strand, the complement: TTC21B is on the minus strand). VCF-style: chr2-165890519-C-G. GRCh37 (hg19) VCF-style: chr2-166747029-C-G.
Other names: short protein forms V1075L.
Identifiers: ClinVar variation 216768 (VCV000216768.20), dbSNP rs34925776, ClinGen allele CA338218.